The following is an entry in ClinVar:

NM_000173.7(GP1BA):c.634C>T (p.Leu212Phe)

Gene: GP1BA (glycoprotein Ib platelet subunit alpha; plus strand). Cytogenetic location: 17p13.2.
Variant type: single nucleotide variant.
Coding change: c.634C>T on transcript NM_000173.7 (MANE Select); coding-DNA position 634, C replaced by T.
Protein change: p.Leu212Phe; replaces leucine 212 with phenylalanine.
Molecular consequence: missense variant.
Genome position (GRCh38, 1-based): chr17:4,933,238, C>T. VCF-style: chr17-4933238-C-T. GRCh37 (hg19) VCF-style: chr17-4836533-C-T.
Other names: short protein forms L212F.
Identifiers: ClinVar variation 2629030 (VCV002629030.1), dbSNP rs374770057, ClinGen allele CA287216355.

ClinVar aggregate classification (germline): Uncertain significance (1 of 4 stars; one submission).

Conditions:
GP1BA-related disorder. Also called: GP1BA-related condition.

Allele frequency attached by ClinVar (database versions not stated): gnomAD 0.00001; gnomAD exomes 0.00001; TOPMed 0.00001; ESP Exome Variant Server 0.00008.

Submission:

PreventionGenetics, part of Exact Sciences
Classification: Uncertain significance for GP1BA-related condition. Last evaluated: 2023-08-19. Review status: criteria provided, single submitter. Criteria: ACMG Guidelines, 2015. Collection method: clinical testing. Allele origin: germline.
Comment: The GP1BA c.634C>T variant is predicted to result in the amino acid substitution p.Leu212Phe. To our knowledge, this variant has not been reported in the literature in patients with GP1BA-associated disorders; however, this variant has been reported in a blood donor screening study (Vorholt et al. 2020. PubMed ID: 32110192). This variant is reported in 0.00088% of alleles in individuals of European (Non-Finnish) descent in gnomAD. At this time, the clinical significance of this variant is uncertain due to the absence of conclusive functional and genetic evidence.